The following is an entry in ClinVar:

NM_004385.5(VCAN):c.5801T>G (p.Phe1934Cys)

Genes: VCAN (versican; plus strand), VCAN-AS1 (VCAN antisense RNA 1; minus strand). Cytogenetic location: 5q14.3.
Variant type: single nucleotide variant.
Coding change: c.5801T>G on transcript NM_004385.5 (MANE Select); coding-DNA position 5801, T replaced by G.
Protein change: p.Phe1934Cys; replaces phenylalanine 1934 with cysteine.
Molecular consequence: missense variant. On other transcripts: intron variant (2).
Genome position (GRCh38, 1-based): chr5:83,538,804, T>G. VCF-style: chr5-83538804-T-G. GRCh37 (hg19) VCF-style: chr5-82834623-T-G.
Other names: c.2840T>G, p.Phe947Cys (NM_001164097.2); c.4004-6733T>G (NM_001164098.2); c.1043-6733T>G (NM_001126336.3); short protein forms F1934C, F947C.
Identifiers: ClinVar variation 354430 (VCV000354430.10), dbSNP rs886060824, ClinGen allele CA10620907.

ClinVar aggregate classification (germline): Uncertain significance. Review status: criteria provided, multiple submitters, no conflicts (2 of 4 stars). 2 submissions from 2 submitters: Uncertain significance (2). Last evaluated 2025-12-01.

Conditions:
Vitreoretinopathy. Also called: Vitreoretinal degeneration. Identifiers: MedGen C0344290, MONDO:0020248, HP:0007773.

Allele frequency attached by ClinVar (database versions not stated): gnomAD exomes below 0.00001 and 0.00001; TOPMed 0.00001.
gnomAD v4.1: 2 of 1,613,956 alleles (0.00012%); highest among the groups gnomAD compares: Admixed American, 0.0033%; no homozygotes.

Submissions (2):

Labcorp Genetics (formerly Invitae), Labcorp
Classification: Uncertain significance. Last evaluated: 2025-12-01. Review status: criteria provided, single submitter. Criteria: Invitae Variant Classification Sherloc (09022015). Collection method: clinical testing. Allele origin: germline.
Comment: This sequence change replaces phenylalanine, which is neutral and non-polar, with cysteine, which is neutral and slightly polar, at codon 1934 of the VCAN protein (p.Phe1934Cys). This variant is present in population databases (no rsID available, gnomAD 0.006%). This variant has not been reported in the literature in individuals affected with VCAN-related conditions. ClinVar contains an entry for this variant (Variation ID: 354430). An algorithm developed to predict the effect of missense changes on protein structure and function (PolyPhen-2) suggests that this variant is likely to be disruptive. In summary, the available evidence is currently insufficient to determine the role of this variant in disease. Therefore, it has been classified as a Variant of Uncertain Significance.

Illumina Laboratory Services, Illumina
Classification: Uncertain significance for Vitreoretinopathy. Last evaluated: 2018-01-13. Review status: criteria provided, single submitter. Criteria: ICSL Variant Classification Criteria 13 December 2019. Collection method: clinical testing. Allele origin: germline.